The following is an entry in ClinVar:

ClinVar aggregate classification (germline): Uncertain significance. Review status: criteria provided, multiple submitters, no conflicts (2 of 4 stars). 2 submissions from 2 submitters: Uncertain significance (2). Last evaluated 2017-07-06.

Conditions:
Episodic ataxia type 2 (EA2). Also called: ATAXIA, EPISODIC, WITH NYSTAGMUS; ATAXIA, FAMILIAL PAROXYSMAL; CEREBELLAR ATAXIA, PAROXYSMAL, ACETAZOLAMIDE-RESPONSIVE; CEREBELLOPATHY, HEREDITARY PAROXYSMAL; EPISODIC ATAXIA, NYSTAGMUS-ASSOCIATED; ACETAZOLAMIDE-RESPONSIVE HEREDITARY PAROXYSMAL CEREBELLAR ATAXIA. Identifiers: Orphanet 97, MedGen C1720416, MONDO:0007163, OMIM 108500.
Developmental and epileptic encephalopathy, 42 (DEE42A). Also called: Epileptic encephalopathy, early infantile, 42; DEVELOPMENTAL AND EPILEPTIC ENCEPHALOPATHY 42A; EPILEPTIC ENCEPHALOPATHY, EARLY INFANTILE, 42A. Identifiers: MedGen C4310716, MONDO:0014917, OMIM 617106.

Submissions (2):

Labcorp Genetics (formerly Invitae), Labcorp
Classification: Uncertain significance for Developmental and epileptic encephalopathy, 42; Episodic ataxia type 2. Last evaluated: 2017-07-06. Review status: criteria provided, single submitter. Criteria: Invitae Variant Classification Sherloc (09022015). Collection method: clinical testing. Allele origin: germline.
Comment: This variant has not been reported in the literature in individuals with CACNA1A-related disease. ClinVar contains an entry for this variant (Variation ID: 384320). In summary, the available evidence is currently insufficient to determine the role of this variant in disease. Therefore, it has been classified as a Variant of Uncertain Significance. Algorithms developed to predict the effect of missense changes on protein structure and function do not agree on the potential impact of this missense change (SIFT: "Deleterious"; PolyPhen-2: "Possibly Damaging"; Align-GVGD: "Class C0"). This variant is not present in population databases (ExAC no frequency). This sequence change replaces valine with leucine at codon 176 of the CACNA1A protein (p.Val176Leu). The valine residue is highly conserved and there is a small physicochemical difference between valine and leucine.

GeneDx
Classification: Uncertain significance. Last evaluated: 2016-02-29. Review status: criteria provided, single submitter. Criteria: GeneDx Variant Classification (06012015). Collection method: clinical testing. Allele origin: germline. Affected: yes.
Comment: A variant of uncertain significance has been identified in the CACNA1A gene. The V176L variant hasnot been published as a pathogenic variant, nor has it been reported as a benign variant to ourknowledge. It was not observed in approximately 6,200 individuals of European and African Americanancestry in the NHLBI Exome Sequencing Project, indicating it is not a common benign variant inthese populations. The V176L variant is a conservative amino acid substitution, which is not likely toimpact secondary protein structure as these residues share similar properties. However, thissubstitution occurs at a position that is conserved across species and in silico analysis predicts thisvariant is probably damaging to the protein structure/function. Therefore, based on the currentlyavailable information, it is unclear whether this variant is a pathogenic variant or a rare benignvariant.

NM_001127222.2(CACNA1A):c.526G>C (p.Val176Leu)

Gene: CACNA1A (calcium voltage-gated channel subunit alpha1 A; minus strand). Cytogenetic location: 19p13.13.
Variant type: single nucleotide variant.
Coding change: c.526G>C on transcript NM_001127222.2 (MANE Select); coding-DNA position 526, G replaced by C.
Protein change: p.Val176Leu; replaces valine 176 with leucine.
Molecular consequence: missense variant.
Genome position (GRCh38, 1-based): chr19:13,452,889, C>G on the plus strand (G>C on the coding strand, the complement: CACNA1A is on the minus strand). VCF-style: chr19-13452889-C-G. GRCh37 (hg19) VCF-style: chr19-13563703-C-G.
Other names: c.526G>C, p.Val176Leu (NM_000068.4, NM_001127221.2, NM_001174080.2 and 1 more transcripts); short protein forms V176L.
Identifiers: ClinVar variation 384320 (VCV000384320.10), dbSNP rs1057521920, ClinGen allele CA16608963.
Genomic context (GRCh38, chr19:13,452,889, plus strand): 5'-AATCCTTCAGCTAGTTAAATCCAAAGCGTATAGCACGCGCCACTTACCCCGTTAGCACCA[C>G]CACAAAGTCCATGACATTCCAGCCATTCCTCAAGTAGGAGCCTTTGTGGAAGGCAAACCC-3'
Protein context (NP_001120694.1, residues 166-186): RNGWNVMDFV[Val176Leu]VLTGILATVG